The following is an entry in ClinVar:

NM_024642.5(GALNT12):c.1402C>A (p.Gln468Lys)

Gene: GALNT12 (polypeptide N-acetylgalactosaminyltransferase 12; plus strand). Cytogenetic location: 9q22.33.
Variant type: single nucleotide variant.
Coding change: c.1402C>A on transcript NM_024642.5 (MANE Select); coding-DNA position 1402, C replaced by A.
Protein change: p.Gln468Lys; replaces glutamine 468 with lysine.
Molecular consequence: missense variant.
Genome position (GRCh38, 1-based): chr9:98,844,153, C>A. VCF-style: chr9-98844153-C-A. GRCh37 (hg19) VCF-style: chr9-101606435-C-A.
Other names: short protein forms Q468K.
Identifiers: ClinVar variation 1771834 (VCV001771834.3), dbSNP rs1313389359, ClinGen allele CA374221441.

ClinVar aggregate classification (germline): Uncertain significance (1 of 4 stars; one submission).

Allele frequency attached by ClinVar (database versions not stated): gnomAD exomes below 0.00001; gnomAD 0.00001; TOPMed 0.00001.
gnomAD v4.1: 2 of 1,613,854 alleles (0.00012%); highest among the groups gnomAD compares: Admixed American, 0.0033%; no homozygotes.

Submission:

Ambry Genetics
Classification: Uncertain significance. Last evaluated: 2024-10-06. Review status: criteria provided, single submitter. Criteria: Ambry Variant Classification Scheme 2023. Collection method: clinical testing. Allele origin: germline.
Comment: The p.Q468K variant (also known as c.1402C>A), located in coding exon 8 of the GALNT12 gene, results from a C to A substitution at nucleotide position 1402. The glutamine at codon 468 is replaced by lysine, an amino acid with similar properties. This amino acid position is conserved. In addition, this alteration is predicted to be tolerated by in silico analysis. Since supporting evidence is limited at this time, the clinical significance of this alteration remains unclear.